The following is an entry in ClinVar:

ClinVar aggregate classification (germline): Uncertain significance (1 of 4 stars; one submission).

Submission:

Labcorp Genetics (formerly Invitae), Labcorp
Classification: Uncertain significance. Last evaluated: 2022-06-13. Review status: criteria provided, single submitter. Criteria: Invitae Variant Classification Sherloc (09022015). Collection method: clinical testing. Allele origin: germline.
Comment: In summary, the available evidence is currently insufficient to determine the role of this variant in disease. Therefore, it has been classified as a Variant of Uncertain Significance. Algorithms developed to predict the effect of missense changes on protein structure and function output the following: SIFT: "Tolerated"; PolyPhen-2: "Benign"; Align-GVGD: "Class C0". The leucine amino acid residue is found in multiple mammalian species, which suggests that this missense change does not adversely affect protein function. ClinVar contains an entry for this variant (Variation ID: 1060694). This variant has not been reported in the literature in individuals affected with TRAF3IP1-related conditions. This variant is not present in population databases (gnomAD no frequency). This sequence change replaces methionine, which is neutral and non-polar, with leucine, which is neutral and non-polar, at codon 49 of the TRAF3IP1 protein (p.Met49Leu).

NM_015650.4(TRAF3IP1):c.145A>C (p.Met49Leu)

Gene: TRAF3IP1 (TRAF3 interacting protein 1; plus strand). Cytogenetic location: 2q37.3.
Variant type: single nucleotide variant.
Coding change: c.145A>C on transcript NM_015650.4 (MANE Select); coding-DNA position 145, A replaced by C.
Protein change: p.Met49Leu; replaces methionine 49 with leucine.
Molecular consequence: missense variant.
Genome position (GRCh38, 1-based): chr2:238,325,327, A>C. VCF-style: chr2-238325327-A-C. GRCh37 (hg19) VCF-style: chr2-239233968-A-C.
Other names: c.145A>C, p.Met49Leu (NM_001139490.1); short protein forms M49L.
Identifiers: ClinVar variation 1060694 (VCV001060694.9), dbSNP rs2106358531, ClinGen allele CA351241211.